The following is an entry in ClinVar:

NM_001035.3(RYR2):c.1876C>G (p.Arg626Gly)

Gene: RYR2 (ryanodine receptor 2; plus strand). Cytogenetic location: 1q43.
Variant type: single nucleotide variant.
Coding change: c.1876C>G on transcript NM_001035.3 (MANE Select); coding-DNA position 1876, C replaced by G.
Protein change: p.Arg626Gly; replaces arginine 626 with glycine.
Molecular consequence: missense variant.
Genome position (GRCh38, 1-based): chr1:237,493,002, C>G. VCF-style: chr1-237493002-C-G. GRCh37 (hg19) VCF-style: chr1-237656302-C-G.
Other names: short protein forms R626G.
Identifiers: ClinVar variation 4076458 (VCV004076458.1), dbSNP rs774694245.

ClinVar aggregate classification (germline): Uncertain significance (1 of 4 stars; one submission).

Conditions:
Cardiovascular phenotype. Identifiers: MedGen CN230736.

Submission:

Molecular Diagnostic Laboratory for Inherited Cardiovascular Disease, Montreal Heart Institute
Classification: Uncertain significance for Cardiovascular phenotype. Last evaluated: 2025-07-24. Review status: criteria provided, single submitter. Criteria: ACMG Guidelines, 2015. Collection method: clinical testing. Allele origin: germline. Affected: yes.
Comment: PM2, PP2, PP3